The following is an entry in ClinVar:

NM_006005.3(WFS1):c.2208_2211del (p.Glu737fs)

Gene: WFS1 (wolframin ER transmembrane glycoprotein; plus strand). Cytogenetic location: 4p16.1.
Variant type: Deletion.
Coding change: c.2208_2211del on transcript NM_006005.3 (MANE Select); coding-DNA positions 2208 to 2211, 4 bases deleted (CGAG; older notation c.2208_2211delCGAG).
Protein change: p.Glu737fs; shifts the reading frame from glutamic acid 737.
Molecular consequence: frameshift variant.
Genome position (GRCh38, 1-based): chr4:6,302,003-6,302,006, CGAG deleted; deleting any 4 consecutive bases within chr4:6,302,002-6,302,006 gives the same sequence; the c. name uses the placement nearest the transcript's 3' end. VCF-style (leftmost placement, unchanged base first): chr4-6302001-GGCGA-G. GRCh37 (hg19) VCF-style: chr4-6303728-GGCGA-G.
Other names: c.2208_2211del, p.Glu737fs (NM_001145853.1); short protein forms E737fs.
Identifiers: ClinVar variation 425327 (VCV000425327.44), dbSNP rs1064797306, ClinGen allele CA16621816.

ClinVar aggregate classification (germline): Likely pathogenic. Review status: criteria provided, multiple submitters, no conflicts (2 of 4 stars). 2 submissions from 2 submitters: Likely pathogenic (2). Last evaluated 2016-11-01.

Conditions:
Wolfram syndrome 1 (WFS1). Identifiers: Orphanet 3463, MedGen C4551693, MONDO:0009101, OMIM 222300.

Submissions (2):

CeGaT Center for Human Genetics Tuebingen
Classification: Likely pathogenic. Last evaluated: 2016-11-01. Review status: criteria provided, single submitter. Criteria: CeGaT Center For Human Genetics Tuebingen Variant Classification Criteria Version 2. Collection method: clinical testing. Allele origin: germline. Affected: yes. Observed: 1 variant allele.

Clinical Genomics, Uppaluri K&H Personalized Medicine Clinic
Classification: Likely pathogenic for Wolfram syndrome 1. Review status: criteria provided, single submitter. Criteria: K & H Uppaluri Personalized Medicine Clinic Variant Classification & Assertion Criteria_Updated V.1. Collection method: research. Allele origin: unknown. Inheritance: Autosomal recessive inheritance.
Comment: Potent mutations in WFS1 gene are associated with Wolfram's syndrome, an autosomal recessive condition, which cause diabetes mellitus, diabetes insipidus, deafness and optic atrophy. However no sufficient evidence is found to ascertain the role of this particular variant rs1064797306 in Wolfram's syndrome yet.

Literature cited by the submitters: PubMed 20738327 (cited by Clinical Genomics, Uppaluri K&H Personalized Medicine Clinic); PubMed 33879153 (cited by Clinical Genomics, Uppaluri K&H Personalized Medicine Clinic); PubMed 12955714 (cited by Clinical Genomics, Uppaluri K&H Personalized Medicine Clinic); PubMed 18060660 (cited by Clinical Genomics, Uppaluri K&H Personalized Medicine Clinic); PubMed 20301750 (cited by Clinical Genomics, Uppaluri K&H Personalized Medicine Clinic); PubMed 17603484 (cited by Clinical Genomics, Uppaluri K&H Personalized Medicine Clinic).